The following is an entry in ClinVar:

NM_001349253.2(SCN11A):c.2646C>T (p.Pro882=)

Gene: SCN11A (sodium voltage-gated channel alpha subunit 11; minus strand). Cytogenetic location: 3p22.2.
Variant type: single nucleotide variant.
Coding change: c.2646C>T on transcript NM_001349253.2 (MANE Select); coding-DNA position 2646, C replaced by T.
Protein change: p.Pro882=; no amino-acid change (proline 882 retained).
Molecular consequence: synonymous variant.
Genome position (GRCh38, 1-based): chr3:38,894,722, G>A on the plus strand (C>T on the coding strand, the complement: SCN11A is on the minus strand). VCF-style: chr3-38894722-G-A. GRCh37 (hg19) VCF-style: chr3-38936213-G-A.
Other names: p.Pro882=; c.2646C>T, p.Pro882= (NM_014139.3).
Identifiers: ClinVar variation 474708 (VCV000474708.20), dbSNP rs141598286, ClinGen allele CA2322002.

ClinVar aggregate classification (germline): Benign/Likely benign. Review status: criteria provided, multiple submitters, no conflicts (2 of 4 stars). 6 submissions from 6 submitters: Benign (2); Likely benign (3). 1 of the submissions does not count toward it. Last evaluated 2026-02-01.

Conditions:
Inborn genetic diseases. Identifiers: MedGen C0950123, MeSH D030342.
SCN11A-related disorder. Also called: SCN11A-related condition.
Hereditary sensory and autonomic neuropathy type 7. Also called: Neuropathy, hereditary sensory and autonomic, type VII; HSAN VII. Identifiers: Orphanet 391397, MedGen C3809882, MONDO:0014244, OMIM 615548.
Familial episodic pain syndrome with predominantly lower limb involvement. Also called: Episodic pain syndrome, familial, 3. Identifiers: Orphanet 391384, Orphanet 391392, MedGen C3809899, MONDO:0014247, OMIM 615552.

Allele frequency attached by ClinVar (database versions not stated): ESP Exome Variant Server 0.00008; gnomAD 0.00016 and 0.00017; TOPMed 0.00022; gnomAD exomes 0.00024 and 0.00041; ExAC 0.00026.
gnomAD v4.1: 632 of 1,614,016 alleles (0.039%); highest among the groups gnomAD compares: South Asian, 0.11%; no homozygotes.

Submissions (6):

CeGaT Center for Human Genetics Tuebingen
Classification: Likely benign. Last evaluated: 2026-02-01. Review status: criteria provided, single submitter. Criteria: CeGaT Center For Human Genetics Tuebingen Variant Classification Criteria Version 2. Collection method: clinical testing. Allele origin: germline. Affected: yes. Observed: 1 variant allele.
Comment: SCN11A: BP4, BP7

Mayo Clinic Laboratories, Mayo Clinic
Classification: Benign. Last evaluated: 2025-07-29. Review status: criteria provided, single submitter. Criteria: ACMG Guidelines, 2015. Collection method: clinical testing. Allele origin: germline. Observed: 1 variant allele.
Comment: BS1, BS2, BP4, BP7

Labcorp Genetics (formerly Invitae), Labcorp
Classification: Benign for Familial episodic pain syndrome with predominantly lower limb involvement; Hereditary sensory and autonomic neuropathy type 7. Last evaluated: 2025-06-11. Review status: criteria provided, single submitter. Criteria: Invitae Variant Classification Sherloc (09022015). Collection method: clinical testing. Allele origin: germline.

Blueprint Genetics
Classification: Likely benign. Last evaluated: 2024-08-29. Review status: criteria provided, single submitter. Criteria: ACMG Guidelines, 2015. Collection method: clinical testing. Allele origin: germline.

Ambry Genetics
Classification: Likely benign for Inborn genetic diseases. Last evaluated: 2019-07-11. Review status: criteria provided, single submitter. Criteria: Ambry Variant Classification Scheme 2023. Collection method: clinical testing. Allele origin: germline.

PreventionGenetics, part of Exact Sciences
Classification: Likely benign for SCN11A-related condition. Last evaluated: 2019-06-05. Review status: no assertion criteria provided. Collection method: clinical testing. Allele origin: germline. Not counted in ClinVar's aggregate classification.
Comment: This variant is classified as likely benign based on ACMG/AMP sequence variant interpretation guidelines (Richards et al. 2015 PMID: 25741868, with internal and published modifications).